The following is an entry in ClinVar:

NM_005993.5(TBCD):c.1447dup (p.Leu483fs)

Gene: TBCD (tubulin folding cofactor D). Cytogenetic location: 17q25.3.
Variant type: Duplication.
Coding change: c.1447dup on transcript NM_005993.5 (MANE Select); coding-DNA position 1447, one base duplicated.
Protein change: p.Leu483fs; shifts the reading frame from leucine 483.
Molecular consequence: frameshift variant.
Genome position: GRCh38 VCF-style: chr17-82870351-G-GC. GRCh37 (hg19) VCF-style: chr17-80828227-G-GC.
Other names: c.1396dup, p.Leu466fs (NM_001411101.1); c.1447dup, p.Leu483fs (NM_001411102.1); short protein forms L466fs, L483fs.
Identifiers: ClinVar variation 2739398 (VCV002739398.3), dbSNP rs2509944883, ClinGen allele CA2576437550.

ClinVar aggregate classification (germline): Pathogenic (1 of 4 stars; one submission).

Allele frequency attached by ClinVar (database versions not stated): gnomAD exomes 0.00001.

Submission:

Labcorp Genetics (formerly Invitae), Labcorp
Classification: Pathogenic. Last evaluated: 2023-07-09. Review status: criteria provided, single submitter. Criteria: Invitae Variant Classification Sherloc (09022015). Collection method: clinical testing. Allele origin: germline.
Comment: This sequence change creates a premature translational stop signal (p.Leu483Profs*19) in the TBCD gene. It is expected to result in an absent or disrupted protein product. Loss-of-function variants in TBCD are known to be pathogenic (PMID: 27666370, 27666374). This variant is not present in population databases (gnomAD no frequency). This variant has not been reported in the literature in individuals affected with TBCD-related conditions. For these reasons, this variant has been classified as Pathogenic.

Literature cited by the submitters: PubMed 27666370; PubMed 27666374.